The following is an entry in ClinVar:

NM_182914.3(SYNE2):c.6742G>A (p.Val2248Ile)

Gene: SYNE2 (spectrin repeat containing nuclear envelope protein 2; plus strand). Cytogenetic location: 14q23.2.
Variant type: single nucleotide variant.
Coding change: c.6742G>A on transcript NM_182914.3 (MANE Select); coding-DNA position 6742, G replaced by A.
Protein change: p.Val2248Ile; replaces valine 2248 with isoleucine.
Molecular consequence: missense variant.
Genome position (GRCh38, 1-based): chr14:64,029,922, G>A. VCF-style: chr14-64029922-G-A. GRCh37 (hg19) VCF-style: chr14-64496640-G-A.
Other names: c.6742G>A, p.Val2248Ile (NM_015180.6); short protein forms V2248I.
Identifiers: ClinVar variation 851423 (VCV000851423.38), dbSNP rs767605722, ClinGen allele CA7220772.

ClinVar aggregate classification (germline): Conflicting classifications of pathogenicity. Review status: criteria provided, conflicting classifications (1 of 4 stars). 3 submissions from 3 submitters: Uncertain significance (2); Likely benign (1). Last evaluated 2023-10-05.

Conditions:
Emery-Dreifuss muscular dystrophy 5, autosomal dominant (EDMD5). Also called: EMERY-DREIFUSS MUSCULAR DYSTROPHY 5. Identifiers: Orphanet 261, MedGen C2751805, MONDO:0013072, OMIM 612999.

Allele frequency attached by ClinVar (database versions not stated): gnomAD exomes 0.00001; ExAC 0.00002.
gnomAD v4.1: 20 of 1,613,798 alleles (0.0012%); highest among the groups gnomAD compares: Middle Eastern, 0.016%; no homozygotes.

Submissions (3):

Ambry Genetics
Classification: Uncertain significance. Last evaluated: 2023-10-05. Review status: criteria provided, single submitter. Criteria: Ambry Variant Classification Scheme 2023. Collection method: clinical testing. Allele origin: germline.

CeGaT Center for Human Genetics Tuebingen
Classification: Likely benign. Last evaluated: 2023-03-01. Review status: criteria provided, single submitter. Criteria: CeGaT Center For Human Genetics Tuebingen Variant Classification Criteria Version 2. Collection method: clinical testing. Allele origin: germline. Affected: yes. Observed: 1 variant allele.
Comment: SYNE2: BP4

Labcorp Genetics (formerly Invitae), Labcorp
Classification: Uncertain significance for Emery-Dreifuss muscular dystrophy 5, autosomal dominant. Last evaluated: 2022-01-12. Review status: criteria provided, single submitter. Criteria: Invitae Variant Classification Sherloc (09022015). Collection method: clinical testing. Allele origin: germline.
Comment: In summary, the available evidence is currently insufficient to determine the role of this variant in disease. Therefore, it has been classified as a Variant of Uncertain Significance. Algorithms developed to predict the effect of missense changes on protein structure and function are either unavailable or do not agree on the potential impact of this missense change (SIFT: "Tolerated"; PolyPhen-2: "Probably Damaging"; Align-GVGD: "Class C0"). ClinVar contains an entry for this variant (Variation ID: 851423). This variant has not been reported in the literature in individuals affected with SYNE2-related conditions. This variant is present in population databases (rs767605722, gnomAD 0.004%). This sequence change replaces valine, which is neutral and non-polar, with isoleucine, which is neutral and non-polar, at codon 2248 of the SYNE2 protein (p.Val2248Ile).